The following is an entry in ClinVar:

ClinVar aggregate classification (germline): Uncertain significance. Review status: criteria provided, multiple submitters, no conflicts (2 of 4 stars). 3 submissions from 3 submitters: Uncertain significance (3). Last evaluated 2024-08-05.

Allele frequency attached by ClinVar (database versions not stated): gnomAD 0.00003 and 0.00006; gnomAD exomes 0.00005 and 0.00015; TOPMed 0.00007; ESP Exome Variant Server 0.00008; ExAC 0.00018; 1000 Genomes Project 30x 0.00062; 1000 Genomes Project 0.00080.
gnomAD v4.1: 86 of 1,614,190 alleles (0.0053%); highest among the groups gnomAD compares: Admixed American, 0.042%; 1 homozygote.

Submissions (3):

Blueprint Genetics
Classification: Uncertain significance. Last evaluated: 2024-08-05. Review status: criteria provided, single submitter. Criteria: ACMG Guidelines, 2015. Collection method: clinical testing. Allele origin: germline.

Mayo Clinic Laboratories, Mayo Clinic
Classification: Uncertain significance. Last evaluated: 2024-05-13. Review status: criteria provided, single submitter. Criteria: ACMG Guidelines, 2015. Collection method: clinical testing. Allele origin: germline. Observed: 1 variant allele.
Comment: BS2_supporting

Labcorp Genetics (formerly Invitae), Labcorp
Classification: Uncertain significance. Last evaluated: 2022-10-18. Review status: criteria provided, single submitter. Criteria: Invitae Variant Classification Sherloc (09022015). Collection method: clinical testing. Allele origin: germline.
Comment: This sequence change replaces arginine, which is basic and polar, with glutamine, which is neutral and polar, at codon 854 of the ADAMTS17 protein (p.Arg854Gln). This variant is present in population databases (rs138284004, gnomAD 0.04%). This variant has not been reported in the literature in individuals affected with ADAMTS17-related conditions. ClinVar contains an entry for this variant (Variation ID: 1422996). Algorithms developed to predict the effect of missense changes on protein structure and function are either unavailable or do not agree on the potential impact of this missense change (SIFT: "Not Available"; PolyPhen-2: "Probably Damaging"; Align-GVGD: "Not Available"). In summary, the available evidence is currently insufficient to determine the role of this variant in disease. Therefore, it has been classified as a Variant of Uncertain Significance.

NM_139057.4(ADAMTS17):c.2561G>A (p.Arg854Gln)

Gene: ADAMTS17 (ADAM metallopeptidase with thrombospondin type 1 motif 17; minus strand). Cytogenetic location: 15q26.3.
Variant type: single nucleotide variant.
Coding change: c.2561G>A on transcript NM_139057.4 (MANE Select); coding-DNA position 2561, G replaced by A.
Protein change: p.Arg854Gln; replaces arginine 854 with glutamine.
Molecular consequence: missense variant.
Genome position (GRCh38, 1-based): chr15:100,048,887, C>T on the plus strand (G>A on the coding strand, the complement: ADAMTS17 is on the minus strand). VCF-style: chr15-100048887-C-T. GRCh37 (hg19) VCF-style: chr15-100589092-C-T.
Other names: p.Arg854Gln; short protein forms R854Q.
Identifiers: ClinVar variation 1422996 (VCV001422996.7), dbSNP rs138284004, ClinGen allele CA7757686.
Genomic context (GRCh38, chr15:100,048,887, plus strand): 5'-GGGTCCAAGCTACAGAACCCAGCTTCTTACCGTGACTGGCAGGGGTGCAAGTTGCACCTT[C>T]GGACCTGGGGCTCTGGGCGGCTTGCTTGAGGGCAGTCACTGTCGTTCACCAGAGTTGTGG-3'
Protein context (NP_620688.2, residues 844-864): PQASRPEPQV[Arg854Gln]RCNLHPCQSR